The following is an entry in ClinVar:

ClinVar aggregate classification (germline): Uncertain significance (1 of 4 stars; one submission).

Conditions:
Wilson disease (WND). Also called: Wilson's disease. Identifiers: Orphanet 905, MedGen C0019202, MONDO:0010200, OMIM 277900. Disease mechanism: loss of function.

Allele frequency attached by ClinVar (database versions not stated): ExAC 0.00001; gnomAD 0.00001; TOPMed 0.00001.
gnomAD v4.1: 12 of 1,614,116 alleles (0.00074%); highest among the groups gnomAD compares: Non-Finnish European, 0.001%; no homozygotes.

Submission:

All of Us Research Program, National Institutes of Health
Classification: Uncertain significance for Wilson disease. Last evaluated: 2023-11-30. Review status: criteria provided, single submitter. Criteria: ACMG Guidelines, 2015. Collection method: clinical testing. Allele origin: germline. Inheritance: Autosomal recessive inheritance. Observed: 2 variant alleles, 2 heterozygotes.
Comment: This missense variant replaces isoleucine with asparagine at codon 1112 of the ATP7B protein. Computational prediction is inconclusive regarding the impact of this variant on protein structure and function (internally defined REVEL score threshold 0.5 < inconclusive < 0.7, PMID: 27666373). To our knowledge, functional studies have not been reported for this variant. This variant has not been reported in individuals affected with ATP7B-related disorders in the literature. This variant has been identified in 1/249576 chromosomes in the general population by the Genome Aggregation Database (gnomAD). The available evidence is insufficient to determine the role of this variant in disease conclusively. Therefore, this variant is classified as a Variant of Uncertain Significance.

This study involves interpretation of variants in research participants for the purpose of population health screening. Participant phenotype was not available at the time of variant classification. Additional details can be found in publication PMID: 35346344, PMCID: PMC8962531

NM_000053.4(ATP7B):c.3335T>A (p.Ile1112Asn)

Gene: ATP7B (ATPase copper transporting beta; minus strand). Cytogenetic location: 13q14.3.
Variant type: single nucleotide variant.
Coding change: c.3335T>A on transcript NM_000053.4 (MANE Select); coding-DNA position 3335, T replaced by A.
Protein change: p.Ile1112Asn; replaces isoleucine 1112 with asparagine.
Molecular consequence: missense variant.
Genome position (GRCh38, 1-based): chr13:51,942,463, A>T on the plus strand (T>A on the coding strand, the complement: ATP7B is on the minus strand). VCF-style: chr13-51942463-A-T. GRCh37 (hg19) VCF-style: chr13-52516599-A-T.
Other names: c.3335T>A, p.Ile1112Asn (NM_001406511.1, NM_001406512.1, NM_001406526.1); c.3329T>A, p.Ile1110Asn (NM_001406513.1); c.3302T>A, p.Ile1101Asn (NM_001406514.1); c.3281T>A, p.Ile1094Asn (NM_001406515.1, NM_001406516.1); c.3239T>A, p.Ile1080Asn (NM_001406517.1, NM_001406518.1); c.3200T>A, p.Ile1067Asn (NM_001406519.1); c.3191T>A, p.Ile1064Asn (NM_001406520.1, NM_001406521.1, NM_001406522.1); c.3152T>A, p.Ile1051Asn (NM_001406523.1); and 19 more; short protein forms I1001N, I1002N, I1016N, I1028N, I1032N, I1034N, I1047N, I1051N.
Identifiers: ClinVar variation 3075594 (VCV003075594.1), dbSNP rs746731660, ClinGen allele CA6988734.
Genomic context (GRCh38, chr13:51,942,463, plus strand): 5'-CTGCCAGCCTCATTCAGGTGACTGGCCGGTGCACTCAAAGGGCGCTCACTGTGGGCCAGG[A>T]TGCCTTCCACGTTGCTGACTTTGCACCCAATTCCACAGCCTGGCACTGCCTGGAAGTCCG-3'
Protein context (NP_000044.2, residues 1102-1122): IGCKVSNVEG[Ile1112Asn]LAHSERPLSA